The following is an entry in ClinVar:

ClinVar aggregate classification (germline): Pathogenic. Review status: criteria provided, single submitter (1 of 4 stars). 2 submissions from 1 submitter: Pathogenic (2). Last evaluated 2026-06-05.

Conditions:
Primary ciliary dyskinesia. Also called: Ciliary dyskinesia. Identifiers: Orphanet 244, MedGen C0008780, MONDO:0016575, HP:0012265.
Ciliary dyskinesia, primary, 38 (CILD38). Also called: CILIARY DYSKINESIA, PRIMARY, 38, WITH OR WITHOUT SITUS INVERSUS. Identifiers: MedGen C4748052, MONDO:0054843, OMIM 618063.

Submissions (2):

Department of Human Genetics, Hannover Medical School
Classification: Pathogenic for Ciliary dyskinesia, primary, 38. Last evaluated: 2026-06-05. Review status: criteria provided, single submitter. Criteria: ACMG Guidelines, 2015. Collection method: clinical testing. Allele origin: germline. Affected: yes.
Comment: PVS1, PS4 moderate, PM2 supporting, PM3, PP1, PP4 moderate

Department of Human Genetics, Hannover Medical School
Classification: Pathogenic for Primary Ciliary Dyskinesia. Last evaluated: 2026-04-01. Review status: criteria provided, single submitter. Criteria: ACMG Guidelines, 2015. Collection method: research. Allele origin: germline. Affected: yes.
Comment: Classification performed by HerediClassify using the following criteria:['PM2_supporting: Variant occures does not occur as homozygous in gnomAD.', 'PVS1_protein_very_strong: Transcript ENST00000434758 is predicted to undergo NMD.', "PP4_moderate: The PICADAR socre of 10.0 exceeds threshold of 8 achieving 'strong' evidence strength."]

NM_032930.3(CFAP300):c.201_202insCC (p.Lys68fs)

Gene: CFAP300 (cilia and flagella associated protein 300; plus strand). Cytogenetic location: 11q22.1.
Variant type: Insertion.
Coding change: c.201_202insCC on transcript NM_032930.3 (MANE Select); coding-DNA positions 201 to 202, CC inserted.
Protein change: p.Lys68fs; shifts the reading frame from lysine 68.
Molecular consequence: frameshift variant.
Genome position: GRCh38 VCF-style: chr11-102058887-T-TCC. GRCh37 (hg19) VCF-style: chr11-101929618-T-TCC.
Other names: c.201_202insCC, p.Lys68fs (NM_001195005.2, NM_001363505.2, NM_001441265.1 and 5 more transcripts); short protein forms K68fs.
Identifiers: ClinVar variation 4852587 (VCV004852587.2).
Genomic context (GRCh38, chr11:102,058,887, plus strand): 5'-ACTATCATTTATAATAAAATATCTAACTTATTCCCCTCAAATTTGTATTTTAGGCTTTTT[T>TCC]CAAAGACCCAAATGTTATTCCCAATTTGAAGTTACTTTCAGATTCTTCTGGACAATGGAT-3'